The following is an entry in ClinVar:

NM_198123.2(CSMD3):c.1818C>T (p.Gly606=)

Gene: CSMD3 (CUB and Sushi multiple domains 3; minus strand). Cytogenetic location: 8q23.3.
Variant type: single nucleotide variant.
Coding change: c.1818C>T on transcript NM_198123.2 (MANE Select); coding-DNA position 1818, C replaced by T.
Protein change: p.Gly606=; no amino-acid change (glycine 606 retained).
Molecular consequence: synonymous variant.
Genome position (GRCh38, 1-based): chr8:112,829,727, G>A on the plus strand (C>T on the coding strand, the complement: CSMD3 is on the minus strand). VCF-style: chr8-112829727-G-A. GRCh37 (hg19) VCF-style: chr8-113841956-G-A.
Other names: c.1428C>T, p.Gly476= (NM_001363185.1); c.1506C>T, p.Gly502= (NM_052900.3); c.1698C>T, p.Gly566= (NM_198124.2).
Identifiers: ClinVar variation 3034192 (VCV003034192.2), dbSNP rs373699127, ClinGen allele CA4850844.
Genomic context (GRCh38, chr8:112,829,727, plus strand): 5'-TGAAACATTGGGAACTTACACTTGGAGCACTGTCCTAGGATCTCCAACTTCGCCCCCATC[G>A]CCAATTGTCAAGGTATCATAGCCAATCTCCAGATCAAATTCTTCAAAATTTATCTGGATA-3'
Protein context (NP_937756.1, residues 596-616): LEIGYDTLTI[Gly606=]DGGEVGDPRT

ClinVar aggregate classification (germline): Likely benign (0 of 4 stars; one submission).

Conditions:
CSMD3-related disorder. Also called: CSMD3-related condition.

Allele frequency attached by ClinVar (database versions not stated): gnomAD 0.00006; ExAC 0.00007; TOPMed 0.00007; ESP Exome Variant Server 0.00023.
gnomAD v4.1: 155 of 1,612,808 alleles (0.0096%); highest among the groups gnomAD compares: Non-Finnish European, 0.013%; no homozygotes.

Submission:

PreventionGenetics, part of Exact Sciences
Classification: Likely benign for CSMD3-related condition. Last evaluated: 2019-06-10. Review status: no assertion criteria provided. Collection method: clinical testing. Allele origin: germline.
Comment: This variant is classified as likely benign based on ACMG/AMP sequence variant interpretation guidelines (Richards et al. 2015 PMID: 25741868, with internal and published modifications).